The following is an entry in ClinVar:

NM_001614.5(ACTG1):c.363+4A>C

Gene: ACTG1 (actin gamma 1; minus strand). Cytogenetic location: 17q25.3.
Variant type: single nucleotide variant.
Coding change: c.363+4A>C on transcript NM_001614.5 (MANE Select); 4 bases into the intron after coding-DNA position 363, A replaced by C.
Molecular consequence: intron variant.
Genome position (GRCh38, 1-based): chr17:81,511,899, T>G on the plus strand (A>C on the coding strand, the complement: ACTG1 is on the minus strand). VCF-style: chr17-81511899-T-G. GRCh37 (hg19) VCF-style: chr17-79478925-T-G.
Other names: c.363+4A>C (NM_001199954.3).
Identifiers: ClinVar variation 3747982 (VCV003747982.2).
Genomic context (GRCh38, chr17:81,511,899, plus strand): 5'-TCAAGCCGGGCAGAAAATGACTGGGGAAAGGACGGGAGGAGCACGGGCGTCGGCCGAGCC[T>G]CACCTGAGTCATCTTCTCTCTGTTGGCCTTGGGGTTCAGGGGGGCCTCGGTCAGCAGCAC-3'

ClinVar aggregate classification (germline): Uncertain significance (1 of 4 stars; one submission).

Conditions:
Baraitser-winter syndrome 2. Identifiers: Orphanet 2995, MedGen C3281235, MONDO:0013812, OMIM 614583.
Autosomal dominant nonsyndromic hearing loss 20. Identifiers: Orphanet 90635, MedGen C1858172, MONDO:0011480, OMIM 604717.

gnomAD v4.1: 3 of 1,614,088 alleles (0.00019%); highest among the groups gnomAD compares: Non-Finnish European, 0.00017%; no homozygotes.

Submission:

Labcorp Genetics (formerly Invitae), Labcorp
Classification: Uncertain significance for Baraitser-winter syndrome 2; Autosomal dominant nonsyndromic hearing loss 20. Last evaluated: 2024-03-03. Review status: criteria provided, single submitter. Criteria: Invitae Variant Classification Sherloc (09022015). Collection method: clinical testing. Allele origin: germline.
Comment: This sequence change falls in intron 3 of the ACTG1 gene. It does not directly change the encoded amino acid sequence of the ACTG1 protein. It affects a nucleotide within the consensus splice site. This variant is present in population databases (no rsID available, gnomAD 0.0009%). This variant has not been reported in the literature in individuals affected with ACTG1-related conditions. Variants that disrupt the consensus splice site are a relatively common cause of aberrant splicing (PMID: 17576681, 9536098). Algorithms developed to predict the effect of sequence changes on RNA splicing suggest that this variant is not likely to affect RNA splicing. In summary, the available evidence is currently insufficient to determine the role of this variant in disease. Therefore, it has been classified as a Variant of Uncertain Significance.

Literature cited by the submitters: PubMed 17576681; PubMed 9536098.